The following is an entry in ClinVar:

NM_000090.4(COL3A1):c.2446-5T>C

Gene: COL3A1 (collagen type III alpha 1 chain; plus strand). Cytogenetic location: 2q32.2.
Variant type: single nucleotide variant.
Coding change: c.2446-5T>C on transcript NM_000090.4 (MANE Select); 5 bases into the intron before coding-DNA position 2446, T replaced by C.
Molecular consequence: intron variant.
Genome position (GRCh38, 1-based): chr2:189,002,950, T>C. VCF-style: chr2-189002950-T-C. GRCh37 (hg19) VCF-style: chr2-189867676-T-C.
Identifiers: ClinVar variation 3073019 (VCV003073019.3), dbSNP rs1163013218, ClinGen allele CA1315402507.

ClinVar aggregate classification (germline): Conflicting classifications of pathogenicity. Review status: criteria provided, conflicting classifications (1 of 4 stars). 2 submissions from 2 submitters: Uncertain significance (1); Likely benign (1). Last evaluated 2025-04-02.

Conditions:
Ehlers-Danlos syndrome, type 4 (EDSVASC). Also called: Ehlers-Danlos Syndrome Type IV; Ehlers-Danlos syndrome vascular type; Ehlers Danlos syndrome, ecchymotic type; Ehlers Danlos syndrome, arterial type; Ehlers Danlos syndrome, Sack-Barabas type. Identifiers: Orphanet 286, MedGen C0268338, MONDO:0017314, OMIM 130050.

Allele frequency attached by ClinVar (database versions not stated): gnomAD 0.00001.
gnomAD v4.1: 1 of 1,547,556 alleles (0.000065%); highest among the groups gnomAD compares: Admixed American, 0.002%; no homozygotes.

Submissions (2):

Labcorp Genetics (formerly Invitae), Labcorp
Classification: Likely benign for Ehlers-Danlos syndrome, type 4. Last evaluated: 2025-04-02. Review status: criteria provided, single submitter. Criteria: Invitae Variant Classification Sherloc (09022015). Collection method: clinical testing. Allele origin: germline.

All of Us Research Program, National Institutes of Health
Classification: Uncertain significance for Ehlers-Danlos syndrome, type 4. Last evaluated: 2024-07-20. Review status: criteria provided, single submitter. Criteria: ACMG Guidelines, 2015. Collection method: clinical testing. Allele origin: germline. Inheritance: Autosomal dominant inheritance. Observed: 2 variant alleles, 2 heterozygotes.
Comment: This variant causes a T to C nucleotide substitution at the -5 position of intron 35 of the COL3A1 gene. To our knowledge, functional studies have not been reported for this variant. This variant has not been reported in individuals affected with COL3A1-related disorders in the literature. This variant has not been identified in the general population by the Genome Aggregation Database (gnomAD). The available evidence is insufficient to determine the role of this variant in disease conclusively. Therefore, this variant is classified as a Variant of Uncertain Significance.

This study involves interpretation of variants in research participants for the purpose of population health screening. Participant phenotype was not available at the time of variant classification. Additional details can be found in publication PMID: 35346344, PMCID: PMC8962531